The following is an entry in ClinVar:

ClinVar aggregate classification (germline): Likely pathogenic (1 of 4 stars; one submission).

Conditions:
Galactosylceramide beta-galactosidase deficiency. Also called: Krabbe Disease; Leukodystrophy, Globoid Cell; GALACTOCEREBROSIDASE DEFICIENCY; GALC DEFICIENCY; GLOBOID CELL LEUKOENCEPHALOPATHY. Identifiers: Orphanet 487, MedGen C0023521, MONDO:0009499, OMIM 245200.

Allele frequency attached by ClinVar (database versions not stated): gnomAD exomes below 0.00001.
gnomAD v4.1: 2 of 1,570,686 alleles (0.00013%); highest among the groups gnomAD compares: Non-Finnish European, 0.00018%; no homozygotes.

Submission:

Labcorp Genetics (formerly Invitae), Labcorp
Classification: Likely pathogenic for Galactosylceramide beta-galactosidase deficiency. Last evaluated: 2023-09-04. Review status: criteria provided, single submitter. Criteria: Invitae Variant Classification Sherloc (09022015). Collection method: clinical testing. Allele origin: germline.
Comment: In summary, the currently available evidence indicates that the variant is pathogenic, but additional data are needed to prove that conclusively. Therefore, this variant has been classified as Likely Pathogenic. Variants that disrupt the consensus splice site are a relatively common cause of aberrant splicing (PMID: 17576681, 9536098). Algorithms developed to predict the effect of sequence changes on RNA splicing suggest that this variant may disrupt the consensus splice site. ClinVar contains an entry for this variant (Variation ID: 1472649). This variant has been observed in individual(s) with clinical features of Krabbe disease (Invitae). In at least one individual the data is consistent with being in trans (on the opposite chromosome) from a pathogenic variant. This variant is not present in population databases (gnomAD no frequency). This sequence change falls in intron 2 of the GALC gene. It does not directly change the encoded amino acid sequence of the GALC protein. It affects a nucleotide within the consensus splice site.

Literature cited by the submitters: PubMed 17576681; PubMed 9536098.

NM_000153.4(GALC):c.264+3A>C

Gene: GALC (galactosylceramidase; minus strand). Cytogenetic location: 14q31.3.
Variant type: single nucleotide variant.
Coding change: c.264+3A>C on transcript NM_000153.4 (MANE Select); 3 bases into the intron after coding-DNA position 264, A replaced by C.
Molecular consequence: intron variant.
Genome position (GRCh38, 1-based): chr14:87,988,452, T>G on the plus strand (A>C on the coding strand, the complement: GALC is on the minus strand). VCF-style: chr14-87988452-T-G. GRCh37 (hg19) VCF-style: chr14-88454796-T-G.
Other names: c.186+3A>C (NM_001201402.2); c.196-245A>C (NM_001201401.2).
Identifiers: ClinVar variation 1472649 (VCV001472649.6), dbSNP rs1567014543, ClinGen allele CA2573150202.